The following is an entry in ClinVar:

NM_152617.4(RNF168):c.662dup (p.Asn221fs)

Gene: RNF168 (ring finger protein 168; minus strand). Cytogenetic location: 3q29.
Variant type: Duplication.
Coding change: c.662dup on transcript NM_152617.4 (MANE Select); coding-DNA position 662, one base duplicated (A; older notation c.662dupA).
Protein change: p.Asn221fs; shifts the reading frame from asparagine 221.
Molecular consequence: frameshift variant.
Genome position (GRCh38, 1-based): chr3:196,483,788, T duplicated on the plus strand (A on the coding strand, the reverse complement: RNF168 is on the minus strand); the first of 3 consecutive T bases (chr3:196,483,788-196,483,790); duplicating any one gives the same sequence. VCF-style (leftmost placement, unchanged base first): chr3-196483787-G-GT. GRCh37 (hg19) VCF-style: chr3-196210658-G-GT.
Other names: short protein forms N221fs.
Identifiers: ClinVar variation 3682751 (VCV003682751.2).

ClinVar aggregate classification (germline): Pathogenic (1 of 4 stars; one submission).

Submission:

Labcorp Genetics (formerly Invitae), Labcorp
Classification: Pathogenic. Last evaluated: 2024-05-02. Review status: criteria provided, single submitter. Criteria: Invitae Variant Classification Sherloc (09022015). Collection method: clinical testing. Allele origin: germline.
Comment: This sequence change creates a premature translational stop signal (p.Asn221Lysfs*22) in the RNF168 gene. While this is not anticipated to result in nonsense mediated decay, it is expected to disrupt the last 351 amino acid(s) of the RNF168 protein. This variant is not present in population databases (gnomAD no frequency). This variant has not been reported in the literature in individuals affected with RNF168-related conditions. This variant disrupts a region of the RNF168 protein in which other variant(s) (p.Gln442Lysfs*45) have been determined to be pathogenic (PMID: 17940005, 19203578). This suggests that this is a clinically significant region of the protein, and that variants that disrupt it are likely to be disease-causing. For these reasons, this variant has been classified as Pathogenic.

Literature cited by the submitters: PubMed 17940005; PubMed 19203578.